The following is an entry in ClinVar:

NM_005188.4(CBL):c.686A>T (p.Asp229Val)

Gene: CBL (Cbl proto-oncogene; plus strand). Cytogenetic location: 11q23.3.
Variant type: single nucleotide variant.
Coding change: c.686A>T on transcript NM_005188.4 (MANE Select); coding-DNA position 686, A replaced by T.
Protein change: p.Asp229Val; replaces aspartic acid 229 with valine.
Molecular consequence: missense variant.
Genome position (GRCh38, 1-based): chr11:119,273,963, A>T. VCF-style: chr11-119273963-A-T. GRCh37 (hg19) VCF-style: chr11-119144673-A-T.
Other names: short protein forms D229V.
Identifiers: ClinVar variation 989316 (VCV000989316.4), dbSNP rs1414848678, ClinGen allele CA382909520.
Genomic context (GRCh38, chr11:119,273,963, plus strand): 5'-TACATGAAGTGCATCCCATCAGTTCTGGGCTGGAGGCCATGGCTCTGAAATCCACTATTG[A>T]TCTGACCTGCAATGATTATATTTCGGTTTTTGAATTTGACATCTTTACCCGACTCTTTCA-3'
Protein context (NP_005179.2, residues 219-239): LEAMALKSTI[Asp229Val]LTCNDYISVF

ClinVar aggregate classification (germline): Uncertain significance (1 of 4 stars; one submission).

Conditions:
Noonan-like syndrome. Also called: Noonan Syndrome-like disorder. Identifiers: MedGen C1834120. Disease mechanism: gain of function.

Allele frequency attached by ClinVar (database versions not stated): TOPMed 0.00001.

Submission:

Illumina Laboratory Services, Illumina
Classification: Uncertain significance for Noonan-like syndrome disorder. Last evaluated: 2020-07-29. Review status: criteria provided, single submitter. Criteria: ICSLVariantClassificationCriteria RUGD 01 April 2020. Collection method: clinical testing. Allele origin: unknown.
Comment: The CBL c.686A>T (p.Asp229Val) variant is a missense variant. A literature search was performed for the gene, cDNA change, and amino acid change. No publications were found based on this search. This variant is not found in the Genome Aggregation Database in a region of good sequence coverage, so the variant is presumed to be rare. Based on the limited evidence, the p.Asp229Val variant is classified as a variant of uncertain significance for Noonan syndrome-like syndrome disorder.